The following is an entry in ClinVar:

NM_033026.6(PCLO):c.9012T>G (p.His3004Gln)

Gene: PCLO (piccolo presynaptic cytomatrix protein; minus strand). Cytogenetic location: 7q21.11.
Variant type: single nucleotide variant.
Coding change: c.9012T>G on transcript NM_033026.6 (MANE Select); coding-DNA position 9012, T replaced by G.
Protein change: p.His3004Gln; replaces histidine 3004 with glutamine.
Molecular consequence: missense variant.
Genome position (GRCh38, 1-based): chr7:82,951,941, A>C on the plus strand (T>G on the coding strand, the complement: PCLO is on the minus strand). VCF-style: chr7-82951941-A-C. GRCh37 (hg19) VCF-style: chr7-82581257-A-C.
Other names: c.9012T>G, p.His3004Gln (NM_014510.3); short protein forms H3004Q.
Identifiers: ClinVar variation 2070646 (VCV002070646.4), dbSNP rs2535685724, ClinGen allele CA367909407.
Genomic context (GRCh38, chr7:82,951,941, plus strand): 5'-ATCTACTGCTGTGTCAGTTCCTTCAGAATAATCAAAAGCATTCTTACTTTTATAGAAAAA[A>C]TGTCCAGCTTCTGCTAAATTTGTGTCAGACATGGAAGGCTTCATTCCCCCAATCCCTCTA-3'
Protein context (NP_149015.2, residues 2994-3014): MSDTNLAEAG[His3004Gln]FFYKSKNAFD

ClinVar aggregate classification (germline): Uncertain significance (1 of 4 stars; one submission).

Submission:

Labcorp Genetics (formerly Invitae), Labcorp
Classification: Uncertain significance. Last evaluated: 2022-08-08. Review status: criteria provided, single submitter. Criteria: Invitae Variant Classification Sherloc (09022015). Collection method: clinical testing. Allele origin: germline.
Comment: In summary, the available evidence is currently insufficient to determine the role of this variant in disease. Therefore, it has been classified as a Variant of Uncertain Significance. Algorithms developed to predict the effect of missense changes on protein structure and function are either unavailable or do not agree on the potential impact of this missense change (SIFT: "Tolerated"; PolyPhen-2: "Not Available"; Align-GVGD: "Class C0"). This variant has not been reported in the literature in individuals affected with PCLO-related conditions. This variant is not present in population databases (gnomAD no frequency). This sequence change replaces histidine, which is basic and polar, with glutamine, which is neutral and polar, at codon 3004 of the PCLO protein (p.His3004Gln).